The following is an entry in ClinVar:

NM_004415.4(DSP):c.3102C>G (p.Ile1034Met)

Gene: DSP (desmoplakin; plus strand). Cytogenetic location: 6p24.3.
Variant type: single nucleotide variant.
Coding change: c.3102C>G on transcript NM_004415.4 (MANE Select); coding-DNA position 3102, C replaced by G.
Protein change: p.Ile1034Met; replaces isoleucine 1034 with methionine.
Molecular consequence: missense variant.
Genome position (GRCh38, 1-based): chr6:7,579,292, C>G. VCF-style: chr6-7579292-C-G. GRCh37 (hg19) VCF-style: chr6-7579525-C-G.
Other names: c.3102C>G, p.Ile1034Met (NM_001008844.3, NM_001319034.2); short protein forms I1034M.
Identifiers: ClinVar variation 1518059 (VCV001518059.9), dbSNP rs569974617, ClinGen allele CA362682952.

ClinVar aggregate classification (germline): Uncertain significance. Review status: criteria provided, multiple submitters, no conflicts (2 of 4 stars). 2 submissions from 2 submitters: Uncertain significance (2). Last evaluated 2025-08-29.

Conditions:
Arrhythmogenic cardiomyopathy with wooly hair and keratoderma. Also called: Arrhythmogenic cardiomyopathy with woolly hair and keratoderma; Carvajal syndrome; PALMOPLANTAR KERATODERMA WITH LEFT VENTRICULAR CARDIOMYOPATHY AND WOOLLY HAIR; Dilated cardiomyopathy with woolly hair and keratoderma. Identifiers: Orphanet 65282, MedGen C1854063, MONDO:0011581, OMIM 605676.
Arrhythmogenic right ventricular dysplasia 8 (ARVD8). Also called: Arrhythmogenic Right Ventricular Dysplasia/Cardiomyopathy 8; ARRHYTHMOGENIC RIGHT VENTRICULAR DYSPLASIA, FAMILIAL, 8; ARRHYTHMOGENIC RIGHT VENTRICULAR CARDIOMYOPATHY 8. Identifiers: MedGen C1843896, MONDO:0011831, OMIM 607450.

gnomAD v4.1: 2 of 1,614,050 alleles (0.00012%); highest among the groups gnomAD compares: Non-Finnish European, 0.00017%; no homozygotes.

Submissions (2):

Labcorp Genetics (formerly Invitae), Labcorp
Classification: Uncertain significance for Arrhythmogenic cardiomyopathy with wooly hair and keratoderma; Arrhythmogenic right ventricular dysplasia 8. Last evaluated: 2025-08-29. Review status: criteria provided, single submitter. Criteria: Invitae Variant Classification Sherloc (09022015). Collection method: clinical testing. Allele origin: germline.
Comment: This sequence change replaces isoleucine, which is neutral and non-polar, with methionine, which is neutral and non-polar, at codon 1034 of the DSP protein (p.Ile1034Met). This variant is not present in population databases (gnomAD no frequency). This variant has not been reported in the literature in individuals affected with DSP-related conditions. ClinVar contains an entry for this variant (Variation ID: 1518059). An algorithm developed to predict the effect of missense changes on protein structure and function (PolyPhen-2) suggests that this variant is likely to be disruptive. In summary, the available evidence is currently insufficient to determine the role of this variant in disease. Therefore, it has been classified as a Variant of Uncertain Significance.

All of Us Research Program, National Institutes of Health
Classification: Uncertain significance for Arrhythmogenic cardiomyopathy with wooly hair and keratoderma. Last evaluated: 2023-02-10. Review status: criteria provided, single submitter. Criteria: ACMG Guidelines, 2015. Collection method: clinical testing. Allele origin: germline. Inheritance: Autosomal dominant inheritance. Observed: 1 variant allele, 1 heterozygote.
Comment: This study involves interpretation of variants in research participants for the purpose of population health screening. Participant phenotype was not available at the time of variant classification. Additional details can be found in publication PMID: 35346344, PMCID: PMC8962531